The following is an entry in ClinVar:

NM_006361.6(HOXB13):c.772C>A (p.Arg258Ser)

Gene: HOXB13 (homeobox B13; minus strand). Cytogenetic location: 17q21.32.
Variant type: single nucleotide variant.
Coding change: c.772C>A on transcript NM_006361.6 (MANE Select); coding-DNA position 772, C replaced by A.
Protein change: p.Arg258Ser; replaces arginine 258 with serine.
Molecular consequence: missense variant.
Genome position (GRCh38, 1-based): chr17:48,726,873, G>T on the plus strand (C>A on the coding strand, the complement: HOXB13 is on the minus strand). VCF-style: chr17-48726873-G-T. GRCh37 (hg19) VCF-style: chr17-46804235-G-T.
Other names: short protein forms R258S.
Identifiers: ClinVar variation 858844 (VCV000858844.4), dbSNP rs759838136, ClinGen allele CA400105874.

ClinVar aggregate classification (germline): Uncertain significance. Review status: criteria provided, multiple submitters, no conflicts (2 of 4 stars). 2 submissions from 2 submitters: Uncertain significance (2). Last evaluated 2023-08-08.

gnomAD v4.1: 1 of 1,614,060 alleles (0.000062%); highest among the groups gnomAD compares: Non-Finnish European, 0.000085%; no homozygotes.

Submissions (2):

Labcorp Genetics (formerly Invitae), Labcorp
Classification: Uncertain significance. Last evaluated: 2023-08-08. Review status: criteria provided, single submitter. Criteria: Invitae Variant Classification Sherloc (09022015). Collection method: clinical testing. Allele origin: germline.
Comment: In summary, the available evidence is currently insufficient to determine the role of this variant in disease. Therefore, it has been classified as a Variant of Uncertain Significance. Advanced modeling of protein sequence and biophysical properties (such as structural, functional, and spatial information, amino acid conservation, physicochemical variation, residue mobility, and thermodynamic stability) performed at Invitae indicates that this missense variant is not expected to disrupt HOXB13 protein function. ClinVar contains an entry for this variant (Variation ID: 858844). This variant has not been reported in the literature in individuals affected with HOXB13-related conditions. This variant is not present in population databases (gnomAD no frequency). This sequence change replaces arginine, which is basic and polar, with serine, which is neutral and polar, at codon 258 of the HOXB13 protein (p.Arg258Ser).

GeneDx
Classification: Uncertain significance. Last evaluated: 2023-05-15. Review status: criteria provided, single submitter. Criteria: GeneDx Variant Classification Process June 2021. Collection method: clinical testing. Allele origin: germline. Affected: yes.
Comment: Not observed at significant frequency in large population cohorts (gnomAD); In silico analysis supports that this missense variant has a deleterious effect on protein structure/function; Has not been previously published as pathogenic or benign to our knowledge